The following is an entry in ClinVar:

NM_012096.3(APPL1):c.680C>G (p.Ala227Gly)

Gene: APPL1 (adaptor protein, phosphotyrosine interacting with PH domain and leucine zipper 1; plus strand). Cytogenetic location: 3p14.3.
Variant type: single nucleotide variant.
Coding change: c.680C>G on transcript NM_012096.3 (MANE Select); coding-DNA position 680, C replaced by G.
Protein change: p.Ala227Gly; replaces alanine 227 with glycine.
Molecular consequence: missense variant.
Genome position (GRCh38, 1-based): chr3:57,247,453, C>G. VCF-style: chr3-57247453-C-G. GRCh37 (hg19) VCF-style: chr3-57281481-C-G.
Other names: short protein forms A227G.
Identifiers: ClinVar variation 4887150 (VCV004887150.1).
Genomic context (GRCh38, chr3:57,247,453, plus strand): 5'-AGATAAGTTTCTTTAAGATGGGTTCTGAAAATCTTAATGAACAACTGGAAGAATTTTTAG[C>G]TAATATTGGAACAAGCGTTCAGAAGTAAGTATTTTTTTCCTTAAAATTGAAAATGAAATG-3'
Protein context (NP_036228.1, residues 217-237): NLNEQLEEFL[Ala227Gly]NIGTSVQNVR

ClinVar aggregate classification (germline): Uncertain significance (1 of 4 stars; one submission).

gnomAD v4.1: 2 of 1,609,180 alleles (0.00012%); highest among the groups gnomAD compares: Admixed American, 0.0017%; no homozygotes.

Submission:

Women's Health and Genetics/Laboratory Corporation of America, LabCorp
Classification: Uncertain significance. Last evaluated: 2026-06-18. Review status: criteria provided, single submitter. Criteria: LabCorp Variant Classification Summary - May 2015. Collection method: clinical testing. Allele origin: germline.
Comment: Variant summary: APPL1 c.680C>G (p.Ala227Gly) results in a non-conservative amino acid change in the encoded protein sequence. Algorithms developed to predict the effect of missense changes on protein structure and function are either unavailable or do not agree on the potential impact of this missense change. The variant was absent in 249638 control chromosomes. The available data on variant occurrences in the general population are insufficient to allow any conclusion about variant significance. To our knowledge, no occurrence of c.680C>G in individuals affected with APPL1-related conditions and no experimental evidence demonstrating its impact on protein function have been reported. No submitters have cited clinical-significance assessments for this variant to ClinVar. Based on the evidence outlined above, the variant was classified as uncertain significance.